The following is an entry in ClinVar:

ClinVar aggregate classification (germline): Uncertain significance (1 of 4 stars; one submission).

Submission:

CeGaT Center for Human Genetics Tuebingen
Classification: Uncertain significance. Last evaluated: 2025-10-01. Review status: criteria provided, single submitter. Criteria: CeGaT Center For Human Genetics Tuebingen Variant Classification Criteria Version 2. Collection method: clinical testing. Allele origin: germline. Affected: yes. Observed: 1 variant allele.
Comment: AFF2: PM2, BP4

NM_002025.4(AFF2):c.401C>T (p.Ala134Val)

Gene: AFF2 (ALF transcription elongation factor 2; plus strand). Cytogenetic location: Xq28.
Variant type: single nucleotide variant.
Coding change: c.401C>T on transcript NM_002025.4 (MANE Select); coding-DNA position 401, C replaced by T.
Protein change: p.Ala134Val; replaces alanine 134 with valine.
Molecular consequence: missense variant.
Genome position (GRCh38, 1-based): chrX:148,662,128, C>T. VCF-style: chrX-148662128-C-T. GRCh37 (hg19) VCF-style: chrX-147743649-C-T.
Other names: c.389C>T, p.Ala130Val (NM_001169122.2, NM_001169123.2, NM_001169125.2); c.401C>T, p.Ala134Val (NM_001169124.2); short protein forms A130V, A134V.
Identifiers: ClinVar variation 4535092 (VCV004535092.6).